The following is an entry in ClinVar:

ClinVar aggregate classification (germline): Uncertain significance (1 of 4 stars; one submission).

Submission:

GeneDx
Classification: Uncertain significance. Last evaluated: 2023-02-16. Review status: criteria provided, single submitter. Criteria: GeneDx Variant Classification Process June 2021. Collection method: clinical testing. Allele origin: germline. Affected: yes.
Comment: Not observed at significant frequency in large population cohorts (gnomAD); In silico analysis supports that this missense variant has a deleterious effect on protein structure/function; Has not been previously published as pathogenic or benign to our knowledge

NM_001080517.3(SETD5):c.1040C>T (p.Ala347Val)

Gene: SETD5 (SET domain containing 5; plus strand). Cytogenetic location: 3p25.3.
Variant type: single nucleotide variant.
Coding change: c.1040C>T on transcript NM_001080517.3 (MANE Select); coding-DNA position 1040, C replaced by T.
Protein change: p.Ala347Val; replaces alanine 347 with valine.
Molecular consequence: missense variant.
Genome position (GRCh38, 1-based): chr3:9,442,208, C>T. VCF-style: chr3-9442208-C-T. GRCh37 (hg19) VCF-style: chr3-9483892-C-T.
Other names: c.746C>T, p.Ala249Val (NM_001292043.2, NM_001349451.2); short protein forms A249V, A347V.
Identifiers: ClinVar variation 1306752 (VCV001306752.2), dbSNP rs2125194232, ClinGen allele CA351689546.